The following is an entry in ClinVar:

ClinVar aggregate classification (germline): Pathogenic (1 of 4 stars; one submission).

Conditions:
Pyruvate dehydrogenase E3 deficiency (DLDD). Also called: Dihydrolipoamide Dehydrogenase (E3) Deficiency; DLD DEFICIENCY; E3 DEFICIENCY; Dihydrolipoamide Dehydrogenase E3 Deficiency; MAPLE SYRUP URINE DISEASE, TYPE III; Lipoamide dehydrogenase deficiency, lactic acidosis due to. Identifiers: Orphanet 2394, Orphanet 765, MedGen C5574660, MONDO:0009529, OMIM 246900.

Submission:

Myriad Genetics, Inc.
Classification: Pathogenic for Pyruvate dehydrogenase E3 deficiency. Last evaluated: 2024-11-16. Review status: criteria provided, single submitter. Criteria: Myriad Autosomal Dominant, Autosomal Recessive and X-Linked Classification Criteria (2023). Collection method: clinical testing. Allele origin: unknown.
Comment: NM_000108.3(DLD):c.481C>T(Q161*) is expected to be pathogenic in the context of dihydrolipoamide dehydrogenase deficiency. This variant is predicted to lead to an abnormal or absent protein product due to the creation of a premature termination codon in DLD, a gene where loss-of-function variants are known to be pathogenic. Please note: this variant was assessed in the context of healthy population screening.

NM_000108.5(DLD):c.481C>T (p.Gln161Ter)

Gene: DLD (dihydrolipoamide dehydrogenase; plus strand). Cytogenetic location: 7q31.1.
Variant type: single nucleotide variant.
Coding change: c.481C>T on transcript NM_000108.5 (MANE Select); coding-DNA position 481, C replaced by T.
Protein change: p.Gln161Ter; replaces glutamine 161 with a stop codon.
Molecular consequence: nonsense. On other transcripts: intron variant (1).
Genome position (GRCh38, 1-based): chr7:107,905,403, C>T. VCF-style: chr7-107905403-C-T. GRCh37 (hg19) VCF-style: chr7-107545848-C-T.
Other names: c.184C>T, p.Gln62Ter (NM_001289750.1); c.412C>T, p.Gln138Ter (NM_001289751.1); c.438+345C>T (NM_001289752.1); short protein forms Q138*, Q161*, Q62*.
Identifiers: ClinVar variation 5012994 (VCV005012994.1).
Genomic context (GRCh38, chr7:107,905,403, plus strand): 5'-AAAGATTATTTTGTAAAGGTTGTTCATGTCAATGGATATGGAAAGATAACTGGCAAAAAT[C>T]AAGTCACTGCTACGAAAGCTGATGGCGGCACTCAGGTTATTGATACAAAGAACATTCTTA-3'